The following is an entry in ClinVar:

ClinVar aggregate classification (germline): Uncertain significance (1 of 4 stars; one submission).

Conditions:
Neuroblastoma, susceptibility to, 3. Also called: ALK-Related Neuroblastic Tumor Susceptibility. Identifiers: Orphanet 635, MedGen C2751681, MONDO:0013083, OMIM 613014.

Submission:

Labcorp Genetics (formerly Invitae), Labcorp
Classification: Uncertain significance for Neuroblastoma, susceptibility to, 3. Last evaluated: 2023-12-14. Review status: criteria provided, single submitter. Criteria: Invitae Variant Classification Sherloc (09022015). Collection method: clinical testing. Allele origin: germline.
Comment: This sequence change falls in intron 14 of the ALK gene. It does not directly change the encoded amino acid sequence of the ALK protein. It affects a nucleotide within the consensus splice site. This variant is not present in population databases (gnomAD no frequency). This variant has not been reported in the literature in individuals affected with ALK-related conditions. ClinVar contains an entry for this variant (Variation ID: 933709). Variants that disrupt the consensus splice site are a relatively common cause of aberrant splicing (PMID: 17576681, 9536098). Algorithms developed to predict the effect of sequence changes on RNA splicing suggest that this variant is not likely to affect RNA splicing. In summary, the available evidence is currently insufficient to determine the role of this variant in disease. Therefore, it has been classified as a Variant of Uncertain Significance.

Literature cited by the submitters: PubMed 17576681; PubMed 9536098.

NM_004304.5(ALK):c.2487+4_2487+5dup

Gene: ALK (ALK receptor tyrosine kinase; minus strand). Cytogenetic location: 2p23.2.
Variant type: Duplication.
Coding change: c.2487+4_2487+5dup on transcript NM_004304.5 (MANE Select); bases 4 to 5 of the intron after coding-DNA position 2487, 2 bases duplicated (TG; older notation c.2487+4_2487+5dupTG).
Molecular consequence: intron variant.
Genome position (GRCh38, 1-based): chr2:29,233,560-29,233,561, CA duplicated on the plus strand (TG on the coding strand, the reverse complement: ALK is on the minus strand). VCF-style (leftmost placement, unchanged base first): chr2-29233559-C-CCA. GRCh37 (hg19) VCF-style: chr2-29456425-C-CCA.
Identifiers: ClinVar variation 933709 (VCV000933709.9), dbSNP rs1664279648, ClinGen allele CA1139656843.
Genomic context (GRCh38, chr2:29,233,559, plus strand): 5'-TGTCATGAGGCTCTGACATTGCAGATGCACAGGAACCTGGTGGAAATCTGGCAGCACACA[C>CCA]CATACCTTAAATACGTAGGTGGCTCCACCCCCTCCTCCTCCGCCTCCTGCCCACTCATGC-3'